The following is an entry in ClinVar:

ClinVar aggregate classification (germline): Uncertain significance. Review status: criteria provided, multiple submitters, no conflicts (2 of 4 stars). 2 submissions from 2 submitters: Uncertain significance (2). Last evaluated 2021-03-07.

Conditions:
Emery-Dreifuss muscular dystrophy 5, autosomal dominant (EDMD5). Also called: EMERY-DREIFUSS MUSCULAR DYSTROPHY 5. Identifiers: Orphanet 261, MedGen C2751805, MONDO:0013072, OMIM 612999.

Allele frequency attached by ClinVar (database versions not stated): gnomAD exomes below 0.00001; ExAC 0.00001; gnomAD 0.00001.
gnomAD v4.1: 4 of 1,613,818 alleles (0.00025%); highest among the groups gnomAD compares: Non-Finnish European, 0.00034%; no homozygotes.

Submissions (2):

Labcorp Genetics (formerly Invitae), Labcorp
Classification: Uncertain significance for Emery-Dreifuss muscular dystrophy 5, autosomal dominant. Last evaluated: 2021-03-07. Review status: criteria provided, single submitter. Criteria: Invitae Variant Classification Sherloc (09022015). Collection method: clinical testing. Allele origin: germline.
Comment: This variant has not been reported in the literature in individuals with SYNE2-related conditions. This sequence change replaces arginine with tryptophan at codon 6232 of the SYNE2 protein (p.Arg6232Trp). The arginine residue is moderately conserved and there is a moderate physicochemical difference between arginine and tryptophan. This variant is present in population databases (rs772056587, ExAC 0.002%). Algorithms developed to predict the effect of missense changes on protein structure and function are either unavailable or do not agree on the potential impact of this missense change (SIFT: "Deleterious"; PolyPhen-2: "Probably Damaging"; Align-GVGD: "Class C0"). Algorithms developed to predict the effect of sequence changes on RNA splicing suggest that this variant may create or strengthen a splice site, but this prediction has not been confirmed by published transcriptional studies. In summary, the available evidence is currently insufficient to determine the role of this variant in disease. Therefore, it has been classified as a Variant of Uncertain Significance.

Revvity Omics, Revvity
Classification: Uncertain significance for Emery-Dreifuss muscular dystrophy 5, autosomal dominant. Last evaluated: 2019-05-22. Review status: criteria provided, single submitter. Criteria: ACMG Guidelines, 2015. Collection method: clinical testing. Allele origin: germline.

NM_182914.3(SYNE2):c.18694C>T (p.Arg6232Trp)

Gene: SYNE2 (spectrin repeat containing nuclear envelope protein 2; plus strand). Cytogenetic location: 14q23.2.
Variant type: single nucleotide variant.
Coding change: c.18694C>T on transcript NM_182914.3 (MANE Select); coding-DNA position 18694, C replaced by T.
Protein change: p.Arg6232Trp; replaces arginine 6232 with tryptophan.
Molecular consequence: missense variant.
Genome position (GRCh38, 1-based): chr14:64,210,095, C>T. VCF-style: chr14-64210095-C-T. GRCh37 (hg19) VCF-style: chr14-64676813-C-T.
Other names: c.18694C>T (NM_182914.2); c.18694C>T, p.Arg6232Trp (NM_015180.6); short protein forms R6232W.
Identifiers: ClinVar variation 1514644 (VCV001514644.10), dbSNP rs772056587, ClinGen allele CA7224173.